The following is an entry in ClinVar:

ClinVar aggregate classification (germline): Uncertain significance. Review status: criteria provided, multiple submitters, no conflicts (2 of 4 stars). 3 submissions from 3 submitters: Uncertain significance (3). Last evaluated 2025-09-10.

Conditions:
Congenital muscular hypertrophy-cerebral syndrome (CDLS2). Also called: Cornelia de Lange syndrome 2; SMC1A-Related Cornelia de Lange Syndrome. Identifiers: Orphanet 199, MedGen C1802395, MONDO:0010370, OMIM 300590.
Developmental and epileptic encephalopathy, 85, with or without midline brain defects. Also called: EPILEPTIC ENCEPHALOPATHY, EARLY INFANTILE, 85, WITH OR WITHOUT MIDLINE BRAIN DEFECTS. Identifiers: MedGen C5393312, MONDO:0026771, OMIM 301044.

gnomAD v4.1: 7 of 1,209,205 alleles (0.00058%); highest among the groups gnomAD compares: African/African-American, 0.0053%; no homozygotes.

Submissions (3):

Labcorp Genetics (formerly Invitae), Labcorp
Classification: Uncertain significance for Congenital muscular hypertrophy-cerebral syndrome. Last evaluated: 2025-09-10. Review status: criteria provided, single submitter. Criteria: Invitae Variant Classification Sherloc (09022015). Collection method: clinical testing. Allele origin: germline.
Comment: This sequence change replaces asparagine, which is neutral and polar, with serine, which is neutral and polar, at codon 902 of the SMC1A protein (p.Asn902Ser). This variant is not present in population databases (gnomAD no frequency). This variant has not been reported in the literature in individuals affected with SMC1A-related conditions. ClinVar contains an entry for this variant (Variation ID: 3378030). Invitae Evidence Modeling of protein sequence and biophysical properties (such as structural, functional, and spatial information, amino acid conservation, physicochemical variation, residue mobility, and thermodynamic stability) indicates that this missense variant is not expected to disrupt SMC1A protein function with a negative predictive value of 80%. In summary, the available evidence is currently insufficient to determine the role of this variant in disease. Therefore, it has been classified as a Variant of Uncertain Significance.

GeneDx
Classification: Uncertain significance. Last evaluated: 2024-05-17. Review status: criteria provided, single submitter. Criteria: GeneDx Variant Classification Process June 2021. Collection method: clinical testing. Allele origin: germline. Affected: yes.
Comment: Not observed in large population cohorts (gnomAD); Missense variants in this gene are often considered pathogenic (HGMD); In silico analysis supports that this missense variant does not alter protein structure/function; In silico analysis suggests this variant may impact gene splicing. In the absence of RNA/functional studies, the actual effect of this sequence change is unknown.; Has not been previously published as pathogenic or benign to our knowledge

Fulgent Genetics
Classification: Uncertain significance for Congenital muscular hypertrophy-cerebral syndrome; Developmental and epileptic encephalopathy, 85, with or without midline brain defects. Last evaluated: 2024-01-05. Review status: criteria provided, single submitter. Criteria: ACMG Guidelines, 2015. Collection method: clinical testing. Allele origin: germline.

NM_006306.4(SMC1A):c.2705A>G (p.Asn902Ser)

Gene: SMC1A (structural maintenance of chromosomes 1A; minus strand). Cytogenetic location: Xp11.22.
Variant type: single nucleotide variant.
Coding change: c.2705A>G on transcript NM_006306.4 (MANE Select); coding-DNA position 2705, A replaced by G.
Protein change: p.Asn902Ser; replaces asparagine 902 with serine.
Molecular consequence: missense variant.
Genome position (GRCh38, 1-based): chrX:53,396,475, T>C on the plus strand (A>G on the coding strand, the complement: SMC1A is on the minus strand). VCF-style: chrX-53396475-T-C. GRCh37 (hg19) VCF-style: chrX-53423395-T-C.
Other names: c.2639A>G, p.Asn880Ser (NM_001281463.1); short protein forms N880S, N902S.
Identifiers: ClinVar variation 3378030 (VCV003378030.3).